The following is an entry in ClinVar:

NM_000136.3(FANCC):c.167A>G (p.Asp56Gly)

Gene: FANCC (FA complementation group C; minus strand). Cytogenetic location: 9q22.32.
Variant type: single nucleotide variant.
Coding change: c.167A>G on transcript NM_000136.3 (MANE Select); coding-DNA position 167, A replaced by G.
Protein change: p.Asp56Gly; replaces aspartic acid 56 with glycine.
Molecular consequence: missense variant.
Genome position (GRCh38, 1-based): chr9:95,247,515, T>C on the plus strand (A>G on the coding strand, the complement: FANCC is on the minus strand). VCF-style: chr9-95247515-T-C. GRCh37 (hg19) VCF-style: chr9-98009797-T-C.
Other names: c.167A>G, p.Asp56Gly (NM_001243743.2, NM_001243744.2); short protein forms D56G.
Identifiers: ClinVar variation 1777862 (VCV001777862.4), dbSNP rs759662786, ClinGen allele CA374340167.

ClinVar aggregate classification (germline): Conflicting classifications of pathogenicity. Review status: criteria provided, conflicting classifications (1 of 4 stars). 3 submissions from 3 submitters: Uncertain significance (2); Likely benign (1). Last evaluated 2024-04-02.

Conditions:
Hereditary cancer-predisposing syndrome. Also called: Neoplastic Syndromes, Hereditary; Tumor predisposition; Hereditary Cancer Syndrome; Hereditary neoplastic syndrome. Identifiers: Orphanet 140162, MedGen C0027672, MeSH D009386, MONDO:0015356.
Fanconi anemia complementation group C (FANCC). Also called: FANCONI PANCYTOPENIA, TYPE 3; FACC; Fanconi anemia, group C; FANCC-Related Fanconi Anemia. Identifiers: Orphanet 84, MedGen C3468041, MONDO:0009213, OMIM 227645.

Submissions (3):

GeneDx
Classification: Uncertain significance. Last evaluated: 2024-04-02. Review status: criteria provided, single submitter. Criteria: GeneDx Variant Classification Process June 2021. Collection method: clinical testing. Allele origin: germline. Affected: yes.
Comment: Not observed at significant frequency in large population cohorts (gnomAD); In silico analysis supports that this missense variant has a deleterious effect on protein structure/function; Has not been previously published as pathogenic or benign to our knowledge; This variant is associated with the following publications: (PMID: Gordon2000[Book])

Fulgent Genetics
Classification: Uncertain significance for Fanconi anemia complementation group C. Last evaluated: 2024-01-24. Review status: criteria provided, single submitter. Criteria: ACMG Guidelines, 2015. Collection method: clinical testing. Allele origin: germline.

Ambry Genetics
Classification: Likely benign for Hereditary cancer-predisposing syndrome. Last evaluated: 2023-12-09. Review status: criteria provided, single submitter. Criteria: Ambry Variant Classification Scheme 2023. Collection method: clinical testing. Allele origin: germline.